The following is an entry in ClinVar:

ClinVar aggregate classification (germline): Pathogenic (1 of 4 stars; one submission).

Conditions:
Hereditary nonpolyposis colorectal neoplasms. Identifiers: MedGen C0009405, MeSH D003123.

Submission:

Labcorp Genetics (formerly Invitae), Labcorp
Classification: Pathogenic for Hereditary nonpolyposis colorectal neoplasms. Last evaluated: 2023-06-04. Review status: criteria provided, single submitter. Criteria: Invitae Variant Classification Sherloc (09022015). Collection method: clinical testing. Allele origin: germline.
Comment: For these reasons, this variant has been classified as Pathogenic. This variant has not been reported in the literature in individuals affected with MSH6-related conditions. This variant is not present in population databases (gnomAD no frequency). This sequence change creates a premature translational stop signal (p.Thr216*) in the MSH6 gene. It is expected to result in an absent or disrupted protein product. Loss-of-function variants in MSH6 are known to be pathogenic (PMID: 18269114, 24362816).

Literature cited by the submitters: PubMed 18269114; PubMed 24362816.

NM_000179.3(MSH6):c.644_645insCT (p.Val215_Thr216insTer)

Gene: MSH6 (mutS homolog 6; plus strand). Cytogenetic location: 2p16.3.
Variant type: Insertion.
Coding change: c.644_645insCT on transcript NM_000179.3 (MANE Select); coding-DNA positions 644 to 645, CT inserted.
Protein change: p.Val215_Thr216insTer.
Molecular consequence: frameshift variant. On other transcripts: 5 prime UTR variant (9), non-coding transcript variant (4), intron variant (1).
Genome position: GRCh38 VCF-style: chr2-47798626-G-GTC. GRCh37 (hg19) VCF-style: chr2-48025765-G-GTC.
Other names: c.254_255insCT, p.Val85_Thr86insTer (NM_001281492.2); c.-263_-262insCT (NM_001281493.2, NM_001281494.2, NM_001406811.1 and 6 more transcripts); c.740_741insCT, p.Val247_Thr248insTer (NM_001406795.1, NM_001406802.1); c.644_645insCT, p.Val215_Thr216insTer (NM_001406796.1, NM_001406798.1, NM_001406800.1 and 4 more transcripts); c.347_348insCT, p.Val116_Thr117insTer (NM_001406797.1, NM_001406801.1, NM_001406805.1 and 10 more transcripts); c.119_120insCT, p.Val40_Thr41insTer (NM_001406799.1, NM_001406806.1, NM_001406807.1); c.566_567insCT, p.Val189_Thr190insTer (NM_001406804.1); c.650_651insCT, p.Val217_Thr218insTer (NM_001406813.1); and 2 more.
Identifiers: ClinVar variation 2764927 (VCV002764927.3), dbSNP rs1572719776, ClinGen allele CA2697548112.